The following is an entry in ClinVar:

ClinVar aggregate classification (germline): Pathogenic. Review status: criteria provided, multiple submitters, no conflicts (2 of 4 stars). 8 submissions from 8 submitters: Pathogenic (5). 3 of the submissions do not count toward it. Last evaluated 2024-04-02.

Conditions:
Cardiovascular phenotype. Identifiers: MedGen CN230736.
Hypertrophic cardiomyopathy 4. Also called: Familial hypertrophic cardiomyopathy 4. Identifiers: MedGen C1861862, MONDO:0007268, OMIM 115197.
Hypertrophic cardiomyopathy. Also called: HYPERTROPHIC MYOCARDIOPATHY. Identifiers: Orphanet 217569, MedGen C0007194, MeSH D002312, MONDO:0005045, HP:0001639.

gnomAD v4.1: 1 of 1,613,334 alleles (0.000062%); highest among the groups gnomAD compares: Non-Finnish European, 0.000085%; no homozygotes.

Submissions (8):

Molecular Diagnostic Laboratory for Inherited Cardiovascular Disease, Montreal Heart Institute
Classification: Pathogenic for Cardiovascular phenotype. Last evaluated: 2024-04-02. Review status: criteria provided, single submitter. Criteria: ACMG Guidelines, 2015. Collection method: clinical testing. Allele origin: germline. Affected: yes.
Comment: PVS1, PS4, PM2, PP5

Labcorp Genetics (formerly Invitae), Labcorp
Classification: Pathogenic for Hypertrophic cardiomyopathy. Last evaluated: 2023-11-11. Review status: criteria provided, single submitter. Criteria: Invitae Variant Classification Sherloc (09022015). Collection method: clinical testing. Allele origin: germline.
Comment: This sequence change creates a premature translational stop signal (p.Glu334*) in the MYBPC3 gene. It is expected to result in an absent or disrupted protein product. Loss-of-function variants in MYBPC3 are known to be pathogenic (PMID: 19574547). This variant is not present in population databases (gnomAD no frequency). This premature translational stop signal has been observed in individual(s) with hypertrophic cardiomyopathy (PMID: 25611685, 27532257, 28794111, 30847666). ClinVar contains an entry for this variant (Variation ID: 177850). For these reasons, this variant has been classified as Pathogenic.

GeneDx
Classification: Pathogenic. Last evaluated: 2021-05-27. Review status: criteria provided, single submitter. Criteria: GeneDx Variant Classification Process June 2021. Collection method: clinical testing. Allele origin: germline. Affected: yes.
Comment: Reported in association with HCM (Alfares et al., 2015; Walsh et al., 2017; van Velzen et al., 2017; van Lint et al., 2019); Not observed at significant frequency in large population cohorts (Lek et al., 2016); Nonsense variant predicted to result in protein truncation or nonsense mediated decay in a gene for which loss-of-function is a known mechanism of disease; Reported in ClinVar as pathogenic (ClinVar Variant ID# 177850; Landrum et al., 2016); This variant is associated with the following publications: (PMID: 25611685, 30847666, 28794111, 27532257)

Laboratory for Molecular Medicine, Mass General Brigham Personalized Medicine
Classification: Pathogenic for Hypertrophic cardiomyopathy. Last evaluated: 2016-01-11. Review status: criteria provided, single submitter. Criteria: LMM Criteria. Collection method: clinical testing. Allele origin: germline. Inheritance: Autosomal dominant inheritance. Observed: 3 variant alleles.
Comment: This nonsense varia nt leads to a premature termination codon at position 334, which is predicted to lead to a truncated or absent protein. Heterozygous loss-of-function of the MYB PC3 gene is an established disease mechanism in individuals with HCM. In summary , this variant meets our criteria to be classified as pathogenic based on the predicted impact of the variant.

Clinical Genetics DNA and cytogenetics Diagnostics Lab, Erasmus MC, Erasmus Medical Center
Classification: Pathogenic for Hypertrophic cardiomyopathy 4. Last evaluated: 2015-09-21. Review status: criteria provided, single submitter. Criteria: ACGS Guidelines, 2013. Collection method: clinical testing. Allele origin: germline. Affected: yes. Study: VKGL Data-share Consensus.

Clinical Genetics, Academic Medical Center
Classification: Pathogenic. Review status: no assertion criteria provided. Collection method: clinical testing. Allele origin: germline. Affected: yes. Study: VKGL Data-share Consensus. Not counted in ClinVar's aggregate classification.

Diagnostic Laboratory, Department of Genetics, University Medical Center Groningen
Classification: Pathogenic. Review status: no assertion criteria provided. Collection method: clinical testing. Allele origin: germline. Affected: yes. Study: VKGL Data-share Consensus. Not counted in ClinVar's aggregate classification.

Joint Genome Diagnostic Labs from Nijmegen and Maastricht, Radboudumc and MUMC+
Classification: Pathogenic. Review status: no assertion criteria provided. Collection method: clinical testing. Allele origin: germline. Affected: yes. Study: VKGL Data-share Consensus. Not counted in ClinVar's aggregate classification.

Literature cited by the submitters: PubMed 19574547 (cited by Labcorp Genetics (formerly Invitae), Labcorp); PubMed 25611685 (cited by Labcorp Genetics (formerly Invitae), Labcorp); PubMed 27532257 (cited by Labcorp Genetics (formerly Invitae), Labcorp); PubMed 28794111 (cited by Labcorp Genetics (formerly Invitae), Labcorp); PubMed 30847666 (cited by Labcorp Genetics (formerly Invitae), Labcorp).

NM_000256.3(MYBPC3):c.1000G>T (p.Glu334Ter)

Gene: MYBPC3 (myosin binding protein C3; minus strand). Cytogenetic location: 11p11.2.
Variant type: single nucleotide variant.
Coding change: c.1000G>T on transcript NM_000256.3 (MANE Select); coding-DNA position 1000, G replaced by T.
Protein change: p.Glu334Ter; replaces glutamic acid 334 with a stop codon.
Molecular consequence: nonsense.
Genome position (GRCh38, 1-based): chr11:47,346,297, C>A on the plus strand (G>T on the coding strand, the complement: MYBPC3 is on the minus strand). VCF-style: chr11-47346297-C-A. GRCh37 (hg19) VCF-style: chr11-47367848-C-A.
Other names: short protein forms E334*.
Identifiers: ClinVar variation 177850 (VCV000177850.21), dbSNP rs573916965, ClinGen allele CA009672.